The following is an entry in ClinVar:

ClinVar aggregate classification (germline): Uncertain significance (1 of 4 stars; one submission).

gnomAD v4.1: 6 of 1,614,176 alleles (0.00037%); highest among the groups gnomAD compares: Non-Finnish European, 0.00051%; no homozygotes.

Submission:

Labcorp Genetics (formerly Invitae), Labcorp
Classification: Uncertain significance. Last evaluated: 2025-09-11. Review status: criteria provided, single submitter. Criteria: Invitae Variant Classification Sherloc (09022015). Collection method: clinical testing. Allele origin: germline.
Comment: This sequence change replaces methionine, which is neutral and non-polar, with valine, which is neutral and non-polar, at codon 540 of the UBR1 protein (p.Met540Val). This variant is present in population databases (no rsID available, gnomAD 0.0009%). This variant has not been reported in the literature in individuals affected with UBR1-related conditions. Invitae Evidence Modeling of protein sequence and biophysical properties (such as structural, functional, and spatial information, amino acid conservation, physicochemical variation, residue mobility, and thermodynamic stability) indicates that this missense variant is not expected to disrupt UBR1 protein function with a negative predictive value of 80%. In summary, the available evidence is currently insufficient to determine the role of this variant in disease. Therefore, it has been classified as a Variant of Uncertain Significance.

NM_174916.3(UBR1):c.1618A>G (p.Met540Val)

Gene: UBR1 (ubiquitin protein ligase E3 component n-recognin 1; minus strand). Cytogenetic location: 15q15.2.
Variant type: single nucleotide variant.
Coding change: c.1618A>G on transcript NM_174916.3 (MANE Select); coding-DNA position 1618, A replaced by G.
Protein change: p.Met540Val; replaces methionine 540 with valine.
Molecular consequence: missense variant.
Genome position (GRCh38, 1-based): chr15:43,047,211, T>C on the plus strand (A>G on the coding strand, the complement: UBR1 is on the minus strand). VCF-style: chr15-43047211-T-C. GRCh37 (hg19) VCF-style: chr15-43339409-T-C.
Other names: short protein forms M540V.
Identifiers: ClinVar variation 4698678 (VCV004698678.1).